The following is an entry in ClinVar:

ClinVar aggregate classification (germline): Pathogenic (1 of 4 stars; one submission).

Submission:

Labcorp Genetics (formerly Invitae), Labcorp
Classification: Pathogenic. Last evaluated: 2021-10-14. Review status: criteria provided, single submitter. Criteria: Invitae Variant Classification Sherloc (09022015). Collection method: clinical testing. Allele origin: germline.
Comment: This sequence change creates a premature translational stop signal (p.Phe188Leufs*16) in the TYRP1 gene. It is expected to result in an absent or disrupted protein product. Loss-of-function variants in TYRP1 are known to be pathogenic (PMID: 8651291, 9345097). This variant is not present in population databases (ExAC no frequency). This variant has not been reported in the literature in individuals affected with TYRP1-related conditions. For these reasons, this variant has been classified as Pathogenic.

Literature cited by the submitters: PubMed 8651291; PubMed 9345097.

NM_000550.3(TYRP1):c.564del (p.Phe188fs)

Gene: TYRP1 (tyrosinase related protein 1; plus strand). Cytogenetic location: 9p23.
Variant type: Deletion.
Coding change: c.564del on transcript NM_000550.3 (MANE Select); coding-DNA position 564, one base deleted (T; older notation c.564delT).
Protein change: p.Phe188fs; shifts the reading frame from phenylalanine 188.
Molecular consequence: frameshift variant.
Genome position (GRCh38, 1-based): chr9:12,695,693, T deleted; the last of 3 consecutive T bases (chr9:12,695,691-12,695,693); deleting any one gives the same sequence. VCF-style (leftmost placement, unchanged base first): chr9-12695690-CT-C. GRCh37 (hg19) VCF-style: chr9-12695690-CT-C.
Other names: short protein forms F188fs.
Identifiers: ClinVar variation 1407659 (VCV001407659.6), dbSNP rs2118223353, ClinGen allele CA2573143618.